The following is an entry in ClinVar:

NM_002850.4(PTPRS):c.3759C>T (p.Ser1253=)

Gene: PTPRS (protein tyrosine phosphatase receptor type S; minus strand). Cytogenetic location: 19p13.3.
Variant type: single nucleotide variant.
Coding change: c.3759C>T on transcript NM_002850.4 (MANE Select); coding-DNA position 3759, C replaced by T.
Protein change: p.Ser1253=; no amino-acid change (serine 1253 retained).
Molecular consequence: synonymous variant.
Genome position (GRCh38, 1-based): chr19:5,219,945, G>A on the plus strand (C>T on the coding strand, the complement: PTPRS is on the minus strand). VCF-style: chr19-5219945-G-A. GRCh37 (hg19) VCF-style: chr19-5219956-G-A.
Other names: NC_000019.9:g.5219956G>A; c.2466C>T, p.Ser822= (NM_130853.3); c.3693C>T, p.Ser1231= (NM_130854.3); c.2478C>T, p.Ser826= (NM_130855.3).
Identifiers: ClinVar variation 782617 (VCV000782617.8), dbSNP rs61743105, ClinGen allele CA9109456.

ClinVar aggregate classification (germline): Benign. Review status: criteria provided, multiple submitters, no conflicts (2 of 4 stars). 3 submissions from 3 submitters: Benign (2). 1 of the submissions does not count toward it. Last evaluated 2019-12-31.

Conditions:
PTPRS-related disorder. Also called: PTPRS-related condition.

Allele frequency attached by ClinVar (database versions not stated): gnomAD 0.02013 and 0.02143; 1000 Genomes Project 0.02196; TOPMed 0.02325; 1000 Genomes Project 30x 0.02342; ESP Exome Variant Server 0.02455.
gnomAD v4.1: 6,227 of 1,613,256 alleles (0.39%); highest among the groups gnomAD compares: African/African-American, 7%; 188 homozygotes.

Submissions (10):

Labcorp Genetics (formerly Invitae), Labcorp
Classification: Benign. Last evaluated: 2019-12-31. Review status: criteria provided, single submitter. Criteria: Invitae Variant Classification Sherloc (09022015). Collection method: clinical testing. Allele origin: germline.

Breakthrough Genomics
Classification: Benign. Review status: criteria provided, single submitter. Criteria: ACMG Guidelines, 2015. Collection method: not provided. Allele origin: germline. Inheritance: Unknown mechanism. Affected: yes.

PreventionGenetics, part of Exact Sciences
Classification: Benign for PTPRS-related condition. Last evaluated: 2019-03-26. Review status: no assertion criteria provided. Collection method: clinical testing. Allele origin: germline. Not counted in ClinVar's aggregate classification.
Comment: This variant is classified as benign based on ACMG/AMP sequence variant interpretation guidelines (Richards et al. 2015 PMID: 25741868, with internal and published modifications).

Dr. Peter K. Rogan Lab, Western University
No classification provided (evidence only). Condition: Clear cell carcinoma of kidney. Review status: no classification provided. Collection method: in vitro. Allele origin: not applicable. Functional consequence: retained intron. Not counted in ClinVar's aggregate classification.

Dr. Peter K. Rogan Lab, Western University
No classification provided (evidence only). Condition: Uterine corpus endometrial carcinoma. Review status: no classification provided. Collection method: in vitro. Allele origin: not applicable. Functional consequence: retained intron. Not counted in ClinVar's aggregate classification.

Dr. Peter K. Rogan Lab, Western University
No classification provided (evidence only). Condition: Cervical cancer. Review status: no classification provided. Collection method: in vitro. Allele origin: not applicable. Functional consequence: retained intron. Not counted in ClinVar's aggregate classification.

Dr. Peter K. Rogan Lab, Western University
No classification provided (evidence only). Condition: Sarcoma. Review status: no classification provided. Collection method: in vitro. Allele origin: not applicable. Functional consequence: retained intron. Not counted in ClinVar's aggregate classification.

Dr. Peter K. Rogan Lab, Western University
No classification provided (evidence only). Condition: Ovarian serous cystadenocarcinoma. Review status: no classification provided. Collection method: in vitro. Allele origin: not applicable. Functional consequence: retained intron. Not counted in ClinVar's aggregate classification.

Dr. Peter K. Rogan Lab, Western University
No classification provided (evidence only). Condition: Ovarian serous cystadenocarcinoma. Review status: no classification provided. Collection method: in vitro. Allele origin: not applicable. Functional consequence: retained intron. Not counted in ClinVar's aggregate classification.

Dr. Peter K. Rogan Lab, Western University
No classification provided (evidence only). Condition: Malignant tumor of esophagus. Review status: no classification provided. Collection method: in vitro. Allele origin: not applicable. Functional consequence: retained intron. Not counted in ClinVar's aggregate classification.